The following is an entry in ClinVar:

NM_000875.5(IGF1R):c.1447G>T (p.Gly483Trp)

Gene: IGF1R (insulin like growth factor 1 receptor; plus strand). Cytogenetic location: 15q26.3.
Variant type: single nucleotide variant.
Coding change: c.1447G>T on transcript NM_000875.5 (MANE Select); coding-DNA position 1447, G replaced by T.
Protein change: p.Gly483Trp; replaces glycine 483 with tryptophan.
Molecular consequence: missense variant.
Genome position (GRCh38, 1-based): chr15:98,908,884, G>T. VCF-style: chr15-98908884-G-T. GRCh37 (hg19) VCF-style: chr15-99452113-G-T.
Other names: c.1447G>T, p.Gly483Trp (NM_001291858.2); short protein forms G483W.
Identifiers: ClinVar variation 1711878 (VCV001711878.2), dbSNP rs2151670392, ClinGen allele CA393676478.
Genomic context (GRCh38, chr15:98,908,884, plus strand): 5'-GAGGAAGTGACGGGGACTAAAGGGCGCCAAAGCAAAGGGGACATAAACACCAGGAACAAC[G>T]GGGAGAGAGCCTCCTGTGAGTGACAGCATCCAAAACACCGTGGGCCCAACCATCATGATA-3'
Protein context (NP_000866.1, residues 473-493): SKGDINTRNN[Gly483Trp]ERASCESDVL

ClinVar aggregate classification (germline): Uncertain significance (1 of 4 stars; one submission).

Submission:

GeneDx
Classification: Uncertain significance. Last evaluated: 2022-04-21. Review status: criteria provided, single submitter. Criteria: GeneDx Variant Classification Process June 2021. Collection method: clinical testing. Allele origin: germline. Affected: yes.
Comment: Not observed at significant frequency in large population cohorts (gnomAD); In silico analysis supports that this missense variant has a deleterious effect on protein structure/function; Has not been previously published as pathogenic or benign to our knowledge